The following is an entry in ClinVar:

ClinVar aggregate classification (germline): Benign. Review status: criteria provided, multiple submitters, no conflicts (2 of 4 stars). 2 submissions from 2 submitters: Benign (2). Last evaluated 2018-06-16.

Allele frequency attached by ClinVar (database versions not stated): ExAC 0.03765; gnomAD exomes 0.07327.

Submissions (2):

GeneDx
Classification: Benign. Last evaluated: 2018-06-16. Review status: criteria provided, single submitter. Criteria: GeneDx Variant Classification (06012015). Collection method: clinical testing. Allele origin: germline. Affected: yes.
Comment: This variant is considered likely benign or benign based on one or more of the following criteria: it is a conservative change, it occurs at a poorly conserved position in the protein, it is predicted to be benign by multiple in silico algorithms, and/or has population frequency not consistent with disease.

Breakthrough Genomics
Classification: Benign. Review status: criteria provided, single submitter. Criteria: ACMG Guidelines, 2015. Collection method: not provided. Allele origin: germline. Inheritance: X-linked inheritance. Affected: yes.

NM_018486.3(HDAC8):c.111+40T>G

Gene: HDAC8 (histone deacetylase 8; minus strand). Cytogenetic location: Xq13.1.
Variant type: single nucleotide variant.
Coding change: c.111+40T>G on transcript NM_018486.3 (MANE Select); 40 bases into the intron after coding-DNA position 111, T replaced by G.
Molecular consequence: intron variant.
Genome position (GRCh38, 1-based): chrX:72,572,611, A>C on the plus strand (T>G on the coding strand, the complement: HDAC8 is on the minus strand). VCF-style: chrX-72572611-A-C. GRCh37 (hg19) VCF-style: chrX-71792461-A-C.
Other names: c.111+40T>G (NM_001166418.2, NM_001166448.2, NM_001166419.2 and 2 more transcripts).
Identifiers: ClinVar variation 675128 (VCV000675128.2), dbSNP rs781824575, ClinGen allele CA10450354.
Genomic context (GRCh38, chrX:72,572,611, plus strand): 5'-TCCCCCAGCCCAGTGTCCTCTCCGCTTCCTAACGCTCTTTCGTCCACCGCCCCCACCCCC[A>C]CCCCCAAAGCCCATGGTCTTTCATCCCGACTTCCCTTACCCGTTTGGGGATCTTGGCCAG-3'